The following is an entry in ClinVar:

ClinVar aggregate classification (germline): Uncertain significance (1 of 4 stars; one submission).

Submission:

Ambry Genetics
Classification: Uncertain significance. Last evaluated: 2022-06-25. Review status: criteria provided, single submitter. Criteria: Ambry Variant Classification Scheme 2023. Collection method: clinical testing. Allele origin: germline.
Comment: The p.M886T variant (also known as c.2657T>C), located in coding exon 4 of the ALPK2 gene, results from a T to C substitution at nucleotide position 2657. The methionine at codon 886 is replaced by threonine, an amino acid with similar properties. This amino acid position is conserved. In addition, this alteration is predicted to be tolerated by in silico analysis. Since supporting evidence is limited at this time, the clinical significance of this alteration remains unclear.

NM_052947.4(ALPK2):c.2657T>C (p.Met886Thr)

Gene: ALPK2 (alpha kinase 2; minus strand). Cytogenetic location: 18q21.31.
Variant type: single nucleotide variant.
Coding change: c.2657T>C on transcript NM_052947.4 (MANE Select); coding-DNA position 2657, T replaced by C.
Protein change: p.Met886Thr; replaces methionine 886 with threonine.
Molecular consequence: missense variant.
Genome position (GRCh38, 1-based): chr18:58,537,530, A>G on the plus strand (T>C on the coding strand, the complement: ALPK2 is on the minus strand). VCF-style: chr18-58537530-A-G. GRCh37 (hg19) VCF-style: chr18-56204762-A-G.
Other names: short protein forms M886T.
Identifiers: ClinVar variation 1794400 (VCV001794400.2), dbSNP rs1445532438, ClinGen allele CA402570058.
Genomic context (GRCh38, chr18:58,537,530, plus strand): 5'-GCACCTTCACTAGCTGTGTGTGAAATGTTCAAGGTGAAAGTACTGGTAAAAAGAGGGGAC[A>G]TGACTGAGTTGCCGTCCTTGCTGCTTTTGCACGTAGACACTGAAGTCTCAGACACTTGTG-3'
Protein context (NP_443179.3, residues 876-896): CKSSKDGNSV[Met886Thr]SPLFTSTFTL